The following is an entry in ClinVar:

NM_006663.4(PPP1R13L):c.671G>C (p.Gly224Ala)

Gene: PPP1R13L (protein phosphatase 1 regulatory subunit 13 like; minus strand). Cytogenetic location: 19q13.32.
Variant type: single nucleotide variant.
Coding change: c.671G>C on transcript NM_006663.4 (MANE Select); coding-DNA position 671, G replaced by C.
Protein change: p.Gly224Ala; replaces glycine 224 with alanine.
Molecular consequence: missense variant.
Genome position (GRCh38, 1-based): chr19:45,396,586, C>G on the plus strand (G>C on the coding strand, the complement: PPP1R13L is on the minus strand). VCF-style: chr19-45396586-C-G. GRCh37 (hg19) VCF-style: chr19-45899844-C-G.
Other names: c.671G>C, p.Gly224Ala (NM_001142502.2); short protein forms G224A.
Identifiers: ClinVar variation 4820418 (VCV004820418.1), dbSNP rs767862816.

ClinVar aggregate classification (germline): Likely benign (1 of 4 stars; one submission).

gnomAD v4.1: 117 of 1,499,842 alleles (0.0078%); highest among the groups gnomAD compares: Admixed American, 0.036%; no homozygotes.

Submission:

Molecular Diagnostic Laboratory for Inherited Cardiovascular Disease, Montreal Heart Institute
Classification: Likely benign. Last evaluated: 2026-03-27. Review status: criteria provided, single submitter. Criteria: ACMG Guidelines, 2015. Collection method: clinical testing. Allele origin: germline. Affected: no.
Comment: BS1;BP4